The following is an entry in ClinVar:

ClinVar aggregate classification (germline): Conflicting classifications of pathogenicity. Review status: criteria provided, conflicting classifications (1 of 4 stars). 2 submissions from 2 submitters: Uncertain significance (1); Likely benign (1). Last evaluated 2025-07-28.

Conditions:
Hereditary cancer-predisposing syndrome. Also called: Hereditary Cancer Syndrome; Hereditary neoplastic syndrome; Neoplastic Syndromes, Hereditary; Tumor predisposition. Identifiers: Orphanet 140162, MedGen C0027672, MeSH D009386, MONDO:0015356.
EGFR-related lung cancer (EGFR). Identifiers: MedGen CN130014.

gnomAD v4.1: 2 of 1,614,158 alleles (0.00012%); highest among the groups gnomAD compares: South Asian, 0.0022%; no homozygotes.

Submissions (2):

Ambry Genetics
Classification: Uncertain significance for Hereditary cancer-predisposing syndrome. Last evaluated: 2025-07-28. Review status: criteria provided, single submitter. Criteria: Ambry Variant Classification Scheme 2023. Collection method: clinical testing. Allele origin: germline.
Comment: The c.180G>A variant (also known as p.V60V), located in coding exon 2 of the EGFR gene, results from a G to A substitution at nucleotide position 180. This nucleotide substitution does not change the valine at codon 60. This nucleotide position is not well conserved in available vertebrate species. In silico splice site analysis for this alteration is inconclusive. Based on the available evidence, the clinical significance of this variant remains unclear.

Labcorp Genetics (formerly Invitae), Labcorp
Classification: Likely benign for EGFR-related lung cancer. Last evaluated: 2025-06-10. Review status: criteria provided, single submitter. Criteria: Invitae Variant Classification Sherloc (09022015). Collection method: clinical testing. Allele origin: germline.

NM_005228.5(EGFR):c.180G>A (p.Val60=)

Gene: EGFR (epidermal growth factor receptor; plus strand). Cytogenetic location: 7p11.2.
Variant type: single nucleotide variant.
Coding change: c.180G>A on transcript NM_005228.5 (MANE Select); coding-DNA position 180, G replaced by A.
Protein change: p.Val60=; no amino-acid change (valine 60 retained).
Molecular consequence: synonymous variant. On other transcripts: intron variant (1).
Genome position (GRCh38, 1-based): chr7:55,142,377, G>A. VCF-style: chr7-55142377-G-A. GRCh37 (hg19) VCF-style: chr7-55210070-G-A.
Other names: c.180G>A, p.Val60= (NM_001346897.2, NM_001346898.2, NM_001346899.2 and 3 more transcripts); c.21G>A, p.Val7= (NM_001346900.2); c.89-13453G>A (NM_001346941.2).
Identifiers: ClinVar variation 4247319 (VCV004247319.2).
Genomic context (GRCh38, chr7:55,142,377, plus strand): 5'-GTTGGGCACTTTTGAAGATCATTTTCTCAGCCTCCAGAGGATGTTCAATAACTGTGAGGT[G>A]GTCCTTGGGAATTTGGAAATTACCTATGTGCAGAGGAATTATGATCTTTCCTTCTTAAAG-3'
Protein context (NP_005219.2, residues 50-70): SLQRMFNNCE[Val60=]VLGNLEITYV